The following is an entry in ClinVar:

NM_002454.3(MTRR):c.1819G>A (p.Val607Ile)

Gene: MTRR (5-methyltetrahydrofolate-homocysteine methyltransferase reductase; plus strand). Cytogenetic location: 5p15.31.
Variant type: single nucleotide variant.
Coding change: c.1819G>A on transcript NM_002454.3 (MANE Select); coding-DNA position 1819, G replaced by A.
Protein change: p.Val607Ile; replaces valine 607 with isoleucine.
Molecular consequence: missense variant. On other transcripts: non-coding transcript variant (14).
Genome position (GRCh38, 1-based): chr5:7,897,114, G>A. VCF-style: chr5-7897114-G-A. GRCh37 (hg19) VCF-style: chr5-7897227-G-A.
Other names: c.1819G>A, p.Val607Ile (NM_001364440.2, NM_001364441.2, NM_001364442.2 and 1 more transcripts); short protein forms V607I.
Identifiers: ClinVar variation 386715 (VCV000386715.22), dbSNP rs114259126, ClinGen allele CA3196083.

ClinVar aggregate classification (germline): Benign/Likely benign. Review status: criteria provided, multiple submitters, no conflicts (2 of 4 stars). 6 submissions from 6 submitters: Benign (2); Likely benign (2). 2 of the submissions do not count toward it. Last evaluated 2026-01-31.

Conditions:
MTRR-related disorder. Also called: MTRR-related condition.
Disorders of Intracellular Cobalamin Metabolism. Identifiers: MedGen CN043592.
Methylcobalamin deficiency type cblE (HMAE). Also called: HOMOCYSTINURIA-MEGALOBLASTIC ANEMIA, cblE COMPLEMENTATION TYPE; HOMOCYSTINURIA-MEGALOBLASTIC ANEMIA, cblE TYPE; VITAMIN B12-RESPONSIVE HOMOCYSTINURIA, cblE TYPE. Identifiers: Orphanet 2169, Orphanet 622, MedGen C1856057, MONDO:0009354, OMIM 236270.

Allele frequency attached by ClinVar (database versions not stated): gnomAD exomes 0.00080 and 0.00039; ExAC 0.00105; ESP Exome Variant Server 0.00331; gnomAD 0.00344 and 0.00366; TOPMed 0.00380; 1000 Genomes Project 0.00559; 1000 Genomes Project 30x 0.00593.
gnomAD v4.1: 1,140 of 1,614,128 alleles (0.071%); highest among the groups gnomAD compares: African/African-American, 1.3%; 13 homozygotes.

Submissions (6):

Labcorp Genetics (formerly Invitae), Labcorp
Classification: Benign for Methylcobalamin deficiency type cblE. Last evaluated: 2026-01-31. Review status: criteria provided, single submitter. Criteria: Invitae Variant Classification Sherloc (09022015). Collection method: clinical testing. Allele origin: germline.

Illumina Laboratory Services, Illumina
Classification: Benign for Disorders of Intracellular Cobalamin Metabolism. Last evaluated: 2018-01-12. Review status: criteria provided, single submitter. Criteria: ICSL Variant Classification Criteria 13 December 2019. Collection method: clinical testing. Allele origin: germline.
Comment: This variant was observed in the ICSL laboratory as part of a predisposition screen in an ostensibly healthy population. It had not been previously curated by ICSL or reported in the Human Gene Mutation Database (HGMD: prior to June 1st, 2018), and was therefore a candidate for classification through an automated scoring system. Utilizing variant allele frequency, disease prevalence and penetrance estimates, and inheritance mode, an automated score was calculated to assess if this variant is too frequent to cause the disease. Based on the score and internal cut-off values, a variant classified as benign is not then subjected to further curation. The score for this variant resulted in a classification of benign for this disease.

GeneDx
Classification: Likely benign. Last evaluated: 2017-10-26. Review status: criteria provided, single submitter. Criteria: GeneDx Variant Classification (06012015). Collection method: clinical testing. Allele origin: germline. Affected: yes.
Comment: This variant is considered likely benign or benign based on one or more of the following criteria: it is a conservative change, it occurs at a poorly conserved position in the protein, it is predicted to be benign by multiple in silico algorithms, and/or has population frequency not consistent with disease.

Breakthrough Genomics
Classification: Likely benign. Review status: criteria provided, single submitter. Criteria: ACMG Guidelines, 2015. Collection method: not provided. Allele origin: germline. Inheritance: Autosomal recessive inheritance. Affected: yes.

Natera, Inc.
Classification: Benign for CblE complementation type homocystinuria-megaloblastic anemia due to defect in cobalamin metabolism. Last evaluated: 2019-12-05. Review status: no assertion criteria provided. Collection method: clinical testing. Allele origin: germline. Not counted in ClinVar's aggregate classification.

PreventionGenetics, part of Exact Sciences
Classification: Likely benign for MTRR-related condition. Last evaluated: 2019-09-26. Review status: no assertion criteria provided. Collection method: clinical testing. Allele origin: germline. Not counted in ClinVar's aggregate classification.
Comment: This variant is classified as likely benign based on ACMG/AMP sequence variant interpretation guidelines (Richards et al. 2015 PMID: 25741868, with internal and published modifications).